The following is an entry in ClinVar:

NM_001288705.3(CSF1R):c.2763+9G>A

Gene: CSF1R (colony stimulating factor 1 receptor; minus strand). Cytogenetic location: 5q32.
Variant type: single nucleotide variant.
Coding change: c.2763+9G>A on transcript NM_001288705.3 (MANE Select); 9 bases into the intron after coding-DNA position 2763, G replaced by A.
Molecular consequence: intron variant.
Genome position (GRCh38, 1-based): chr5:150,054,313, C>T on the plus strand (G>A on the coding strand, the complement: CSF1R is on the minus strand). VCF-style: chr5-150054313-C-T. GRCh37 (hg19) VCF-style: chr5-149433876-C-T.
Other names: c.2319+9G>A (NM_001375321.1); c.2763+9G>A (NM_005211.4, NM_001375320.1, NM_001349736.2).
Identifiers: ClinVar variation 3050709 (VCV003050709.3), dbSNP rs747191440, ClinGen allele CA3506359.

ClinVar aggregate classification (germline): Likely benign. Review status: criteria provided, single submitter (1 of 4 stars). 2 submissions from 2 submitters: Likely benign (1). 1 of the submissions does not count toward it. Last evaluated 2024-07-12.

Conditions:
CSF1R-related disorder. Also called: CSF1R-related condition. Identifiers: MedGen CN379780, MONDO:0100632.

Allele frequency attached by ClinVar (database versions not stated): ExAC 0.00003.
gnomAD v4.1: 10 of 1,614,050 alleles (0.00062%); highest among the groups gnomAD compares: Admixed American, 0.0067%; no homozygotes.

Submissions (2):

Women's Health and Genetics/Laboratory Corporation of America, LabCorp
Classification: Likely benign. Last evaluated: 2024-07-12. Review status: criteria provided, single submitter. Criteria: LabCorp Variant Classification Summary - May 2015. Collection method: clinical testing. Allele origin: germline.
Comment: Variant summary: CSF1R c.2763+9G>A alters a non-conserved nucleotide located at a position not widely known to affect splicing. Consensus agreement among computation tools predict no significant impact on normal splicing. However, these predictions have yet to be confirmed by functional studies. The variant allele was found at a frequency of 1.2e-05 in 250750 control chromosomes. The available data on variant occurrences in the general population are insufficient to allow any conclusion about variant significance. To our knowledge, no occurrence of c.2763+9G>A in individuals affected with Brain Abnormalities, Neurodegeneration, And Dysosteosclerosis and no experimental evidence demonstrating its impact on protein function have been reported. ClinVar contains an entry for this variant (Variation ID: 3050709). Based on the evidence outlined above, the variant was classified as likely benign.

PreventionGenetics, part of Exact Sciences
Classification: Likely benign for CSF1R-related condition. Last evaluated: 2022-09-07. Review status: no assertion criteria provided. Collection method: clinical testing. Allele origin: germline. Not counted in ClinVar's aggregate classification.
Comment: This variant is classified as likely benign based on ACMG/AMP sequence variant interpretation guidelines (Richards et al. 2015 PMID: 25741868, with internal and published modifications).